The following is an entry in ClinVar:

NM_139027.6(ADAMTS13):c.500C>T (p.Thr167Met)

Gene: ADAMTS13 (ADAM metallopeptidase with thrombospondin type 1 motif 13; plus strand). Cytogenetic location: 9q34.2.
Variant type: single nucleotide variant.
Coding change: c.500C>T on transcript NM_139027.6 (MANE Select); coding-DNA position 500, C replaced by T.
Protein change: p.Thr167Met; replaces threonine 167 with methionine.
Molecular consequence: missense variant. On other transcripts: non-coding transcript variant (1).
Genome position (GRCh38, 1-based): chr9:133,426,023, C>T. VCF-style: chr9-133426023-C-T. GRCh37 (hg19) VCF-style: chr9-136291143-C-T.
Other names: p.Thr167Met; c.500C>T, p.Thr167Met (NM_139025.5, NM_139026.6); short protein forms T167M.
Identifiers: ClinVar variation 709974 (VCV000709974.18), dbSNP rs141932927, ClinGen allele CA200921929.

ClinVar aggregate classification (germline): Benign/Likely benign. Review status: criteria provided, multiple submitters, no conflicts (2 of 4 stars). 6 submissions from 6 submitters: Benign (4); Likely benign (1). 1 of the submissions does not count toward it. Last evaluated 2025-12-23.

Conditions:
Upshaw-Schulman syndrome (TTP). Also called: THROMBOTIC THROMBOCYTOPENIC PURPURA, HEREDITARY; Congenital thrombotic thrombocytopenic purpura. Identifiers: Orphanet 93583, MedGen C1268935, MONDO:0010122, OMIM 274150.
ADAMTS13-related disorder. Also called: ADAMTS13-related condition.

Allele frequency attached by ClinVar (database versions not stated): gnomAD exomes 0.00127; ExAC 0.00157; gnomAD 0.00435 and 0.00458; TOPMed 0.00492; ESP Exome Variant Server 0.00569; 1000 Genomes Project 0.00599; 1000 Genomes Project 30x 0.00640.

Submissions (6):

Labcorp Genetics (formerly Invitae), Labcorp
Classification: Benign. Last evaluated: 2025-12-23. Review status: criteria provided, single submitter. Criteria: Invitae Variant Classification Sherloc (09022015). Collection method: clinical testing. Allele origin: germline.

Mayo Clinic Laboratories, Mayo Clinic
Classification: Benign. Last evaluated: 2023-05-05. Review status: criteria provided, single submitter. Criteria: ACMG Guidelines, 2015. Collection method: clinical testing. Allele origin: germline. Observed: 27 variant alleles.
Comment: BS1, BS2, BP4_strong

Genetic Services Laboratory, University of Chicago
Classification: Benign. Last evaluated: 2021-11-22. Review status: criteria provided, single submitter. Criteria: ACMG Guidelines, 2015. Collection method: clinical testing. Allele origin: germline. Affected: no.

Fulgent Genetics
Classification: Likely benign for Upshaw-Schulman syndrome. Last evaluated: 2021-09-20. Review status: criteria provided, single submitter. Criteria: ACMG Guidelines, 2015. Collection method: clinical testing. Allele origin: unknown.

Breakthrough Genomics
Classification: Benign. Review status: criteria provided, single submitter. Criteria: ACMG Guidelines, 2015. Collection method: not provided. Allele origin: germline. Inheritance: Autosomal recessive inheritance. Affected: yes.

PreventionGenetics, part of Exact Sciences
Classification: Likely benign for ADAMTS13-related condition. Last evaluated: 2020-02-18. Review status: no assertion criteria provided. Collection method: clinical testing. Allele origin: germline. Not counted in ClinVar's aggregate classification.
Comment: This variant is classified as likely benign based on ACMG/AMP sequence variant interpretation guidelines (Richards et al. 2015 PMID: 25741868, with internal and published modifications).